The following is an entry in ClinVar:

ClinVar aggregate classification (germline): Conflicting classifications of pathogenicity. Review status: criteria provided, conflicting classifications (1 of 4 stars). 3 submissions from 3 submitters: Uncertain significance (2); Likely benign (1). Last evaluated 2025-02-01.

Conditions:
Inborn genetic diseases. Identifiers: MedGen C0950123, MeSH D030342.

Allele frequency attached by ClinVar (database versions not stated): gnomAD 0.00001; ExAC 0.00001; TOPMed 0.00002; gnomAD exomes 0.00001.
gnomAD v4.1: 12 of 1,613,760 alleles (0.00074%); highest among the groups gnomAD compares: Admixed American, 0.0017%; no homozygotes.

Submissions (3):

Ambry Genetics
Classification: Likely benign for Inborn genetic diseases. Last evaluated: 2025-02-01. Review status: criteria provided, single submitter. Criteria: Ambry Variant Classification Scheme 2023. Collection method: clinical testing. Allele origin: germline.

Labcorp Genetics (formerly Invitae), Labcorp
Classification: Uncertain significance. Last evaluated: 2022-03-23. Review status: criteria provided, single submitter. Criteria: Invitae Variant Classification Sherloc (09022015). Collection method: clinical testing. Allele origin: germline.
Comment: This sequence change replaces arginine, which is basic and polar, with glutamine, which is neutral and polar, at codon 54 of the SETD5 protein (p.Arg54Gln). This variant is present in population databases (rs763773124, gnomAD 0.003%). This variant has not been reported in the literature in individuals affected with SETD5-related conditions. ClinVar contains an entry for this variant (Variation ID: 1310988). Algorithms developed to predict the effect of missense changes on protein structure and function (SIFT, PolyPhen-2, Align-GVGD) all suggest that this variant is likely to be tolerated. In summary, the available evidence is currently insufficient to determine the role of this variant in disease. Therefore, it has been classified as a Variant of Uncertain Significance.

GeneDx
Classification: Uncertain significance. Last evaluated: 2019-12-17. Review status: criteria provided, single submitter. Criteria: GeneDx Variant Classification Process June 2021. Collection method: clinical testing. Allele origin: germline. Affected: yes.
Comment: Not observed at a significant frequency in large population cohorts (Lek et al., 2016); In silico analysis, which includes protein predictors and evolutionary conservation, supports that this variant does not alter protein structure/function; Has not been previously published as pathogenic or benign to our knowledge

NM_001080517.3(SETD5):c.161G>A (p.Arg54Gln)

Gene: SETD5 (SET domain containing 5; plus strand). Cytogenetic location: 3p25.3.
Variant type: single nucleotide variant.
Coding change: c.161G>A on transcript NM_001080517.3 (MANE Select); coding-DNA position 161, G replaced by A.
Protein change: p.Arg54Gln; replaces arginine 54 with glutamine.
Molecular consequence: missense variant. On other transcripts: 5 prime UTR variant (2).
Genome position (GRCh38, 1-based): chr3:9,433,934, G>A. VCF-style: chr3-9433934-G-A. GRCh37 (hg19) VCF-style: chr3-9475618-G-A.
Other names: c.-173G>A (NM_001292043.2); c.-214G>A (NM_001349451.2); short protein forms R54Q.
Identifiers: ClinVar variation 1310988 (VCV001310988.4), dbSNP rs763773124, ClinGen allele CA2238843.